The following is an entry in ClinVar:

ClinVar aggregate classification (germline): Likely benign (1 of 4 stars; one submission).

gnomAD v4.1: 4 of 1,548,720 alleles (0.00026%); highest among the groups gnomAD compares: African/African-American, 0.0055%; no homozygotes.

Submission:

CeGaT Center for Human Genetics Tuebingen
Classification: Likely benign. Last evaluated: 2026-07-01. Review status: criteria provided, single submitter. Criteria: CeGaT Center For Human Genetics Tuebingen Variant Classification Criteria Version 2. Collection method: clinical testing. Allele origin: germline. Affected: yes. Observed: 1 variant allele.
Comment: PIEZO1: BP4, BP7

NM_001142864.4(PIEZO1):c.4044C>T (p.Ala1348=)

Gene: PIEZO1 (piezo type mechanosensitive ion channel component 1 (Er blood group); minus strand). Cytogenetic location: 16q24.3.
Variant type: single nucleotide variant.
Coding change: c.4044C>T on transcript NM_001142864.4 (MANE Select); coding-DNA position 4044, C replaced by T.
Protein change: p.Ala1348=; no amino-acid change (alanine 1348 retained).
Molecular consequence: synonymous variant.
Genome position (GRCh38, 1-based): chr16:88,725,609, G>A on the plus strand (C>T on the coding strand, the complement: PIEZO1 is on the minus strand). VCF-style: chr16-88725609-G-A. GRCh37 (hg19) VCF-style: chr16-88792017-G-A.
Identifiers: ClinVar variation 5039614 (VCV005039614.1).